The following is an entry in ClinVar:

ClinVar aggregate classification (germline): Uncertain significance (1 of 4 stars; one submission).

Allele frequency attached by ClinVar (database versions not stated): gnomAD exomes 0.00001.
gnomAD v4.1: 9 of 1,211,740 alleles (0.00074%); highest among the groups gnomAD compares: Non-Finnish European, 0.001%; no homozygotes.

Submission:

GeneDx
Classification: Uncertain significance. Last evaluated: 2023-05-09. Review status: criteria provided, single submitter. Criteria: GeneDx Variant Classification Process June 2021. Collection method: clinical testing. Allele origin: germline. Affected: yes.
Comment: In silico analysis supports that this missense variant does not alter protein structure/function; Has not been previously published as pathogenic or benign to our knowledge

NM_001323289.2(CDKL5):c.1577C>T (p.Ser526Phe)

Gene: CDKL5 (cyclin dependent kinase like 5; plus strand). Cytogenetic location: Xp22.13.
Variant type: single nucleotide variant.
Coding change: c.1577C>T on transcript NM_001323289.2 (MANE Select); coding-DNA position 1577, C replaced by T.
Protein change: p.Ser526Phe; replaces serine 526 with phenylalanine.
Molecular consequence: missense variant.
Genome position (GRCh38, 1-based): chrX:18,604,501, C>T. VCF-style: chrX-18604501-C-T. GRCh37 (hg19) VCF-style: chrX-18622621-C-T.
Other names: c.1577C>T, p.Ser526Phe (NM_001037343.2, NM_003159.3); short protein forms S526F.
Identifiers: ClinVar variation 2663125 (VCV002663125.1), dbSNP rs1165312114, ClinGen allele CA412361749.